The following is an entry in ClinVar:

ClinVar aggregate classification (germline): Uncertain significance (1 of 4 stars; one submission).

Submission:

GeneDx
Classification: Uncertain significance. Last evaluated: 2024-11-05. Review status: criteria provided, single submitter. Criteria: GeneDx Variant Classification Process June 2021. Collection method: clinical testing. Allele origin: germline. Affected: yes.
Comment: Not observed at significant frequency in large population cohorts (gnomAD); In silico analysis supports that this missense variant has a deleterious effect on protein structure/function; Has not been previously published as pathogenic or benign to our knowledge

NM_016032.4(ZDHHC9):c.878C>T (p.Pro293Leu)

Gene: ZDHHC9 (zDHHC palmitoyltransferase 9; minus strand). Cytogenetic location: Xq26.1.
Variant type: single nucleotide variant.
Coding change: c.878C>T on transcript NM_016032.4 (MANE Select); coding-DNA position 878, C replaced by T.
Protein change: p.Pro293Leu; replaces proline 293 with leucine.
Molecular consequence: missense variant.
Genome position (GRCh38, 1-based): chrX:129,811,409, G>A on the plus strand (C>T on the coding strand, the complement: ZDHHC9 is on the minus strand). VCF-style: chrX-129811409-G-A. GRCh37 (hg19) VCF-style: chrX-128945385-G-A.
Other names: c.878C>T, p.Pro293Leu (NM_001008222.3); short protein forms P293L.
Identifiers: ClinVar variation 3897141 (VCV003897141.1).